The following is an entry in ClinVar:

ClinVar aggregate classification (germline): Pathogenic/Likely pathogenic. Review status: criteria provided, multiple submitters, no conflicts (2 of 4 stars). 3 submissions from 3 submitters: Pathogenic (1); Likely pathogenic (2). Last evaluated 2024-11-07.

Conditions:
Meckel-Gruber syndrome. Also called: Dysencephalia splachnocystica; GRUBER SYNDROME; DYSENCEPHALIA SPLANCHNOCYSTICA. Identifiers: Orphanet 564, MedGen C0265215, MONDO:0018921.
Joubert syndrome. Also called: JOUBERT-BOLTSHAUSER SYNDROME; Familial aplasia of the vermis; CEREBELLOPARENCHYMAL DISORDER IV. Identifiers: Orphanet 475, MedGen C5979921, MONDO:0018772.

Allele frequency attached by ClinVar (database versions not stated): gnomAD 0.00001.
gnomAD v4.1: 1 of 1,609,774 alleles (0.000062%); highest among the groups gnomAD compares: Non-Finnish European, 0.000085%; no homozygotes.

Submissions (3):

Natera, Inc.
Classification: Likely pathogenic for Joubert syndrome. Last evaluated: 2024-11-07. Review status: criteria provided, single submitter. Criteria: Natera Variant Classification Schema (03/2026). Collection method: clinical testing. Allele origin: germline.
Comment: The c.1700-1G>A variant in RPGRIP1L is a canonical splice acceptor site variant predicted to affect pre-mRNA splicing, which may result in an abnormal transcript and altered protein product. This variant is expected to result in nonsense mediated decay, truncation, or a dysfunctional protein product. This variant is rare in the general population with a frequency below the threshold expected for the associated phenotype(s). Given the available evidence, this variant is classified as Likely Pathogenic.

Labcorp Genetics (formerly Invitae), Labcorp
Classification: Likely pathogenic for Joubert syndrome; Meckel-Gruber syndrome. Last evaluated: 2020-08-07. Review status: criteria provided, single submitter. Criteria: Invitae Variant Classification Sherloc (09022015). Collection method: clinical testing. Allele origin: germline.
Comment: This sequence change affects an acceptor splice site in intron 14 of the RPGRIP1L gene. It is expected to disrupt RNA splicing and likely results in an absent or disrupted protein product. This variant is not present in population databases (ExAC no frequency). This variant has been observed in individual(s) with RPGRIP1L-related conditions (PMID: 23188109). ClinVar contains an entry for this variant (Variation ID: 379927). Algorithms developed to predict the effect of sequence changes on RNA splicing suggest that this variant may disrupt the consensus splice site, but this prediction has not been confirmed by published transcriptional studies. Donor and acceptor splice site variants typically lead to a loss of protein function (PMID: 16199547), and loss-of-function variants in RPGRIP1L are known to be pathogenic (PMID: 17558409). In summary, the currently available evidence indicates that the variant is pathogenic, but additional data are needed to prove that conclusively. Therefore, this variant has been classified as Likely Pathogenic.

GeneDx
Classification: Pathogenic. Last evaluated: 2015-06-23. Review status: criteria provided, single submitter. Criteria: GeneDx Variant Classification (06012015). Collection method: clinical testing. Allele origin: germline. Affected: yes.
Comment: The c.1700-1G>A variant in the RPGRIP1L gene has been reported previously in the heterozygous statein an individual with Joubert syndrome. Although Sanger sequencing of all RPGRIP1L exons and flankingintronic sequences was performed, a second variant was not found (Halbritter et al., 2012). This splicesite variant destroys the canonical splice acceptor site in intron 14. It is predicted to cause abnormal genesplicing, either leading to an abnormal message that is subject to nonsense-mediated mRNA decay, or toan abnormal protein product if the message is used for protein translation. The c.1700-1G>A variant wasnot observed in approximately 6,500 individuals of European and African American ancestry in the NHLBIExome Sequencing Project, indicating it is not a common benign variant in these populations. We interpretc.1700-1G>A as a pathogenic variant.

Literature cited by the submitters: PubMed 23188109 (cited by Labcorp Genetics (formerly Invitae), Labcorp); PubMed 16199547 (cited by Labcorp Genetics (formerly Invitae), Labcorp); PubMed 17558409 (cited by Labcorp Genetics (formerly Invitae), Labcorp).

NM_015272.5(RPGRIP1L):c.1700-1G>A

Gene: RPGRIP1L (RPGRIP1 like; minus strand). Cytogenetic location: 16q12.2.
Variant type: single nucleotide variant.
Coding change: c.1700-1G>A on transcript NM_015272.5 (MANE Select); the canonical splice acceptor site of the intron before coding-DNA position 1700, G replaced by A.
Molecular consequence: splice acceptor variant.
Genome position (GRCh38, 1-based): chr16:53,652,988, C>T on the plus strand (G>A on the coding strand, the complement: RPGRIP1L is on the minus strand). VCF-style: chr16-53652988-C-T. GRCh37 (hg19) VCF-style: chr16-53686900-C-T.
Other names: c.1700-1G>A (NM_015272.4, NM_001127897.4, NM_001330538.2 and 1 more transcripts).
Identifiers: ClinVar variation 379927 (VCV000379927.12), dbSNP rs1057520790, ClinGen allele CA16607037.
Genomic context (GRCh38, chr16:53,652,988, plus strand): 5'-GCATGATTTCTGGTTTAAATTTGTACTGCTTGGTGCCATAGGCAATATCCTTTAATTGGG[C>T]TGCAAGAGAAGACACACAGTTTAGAGATTTCAAAATATTGACATGAGAAAATGAAAACTG-3'